The following is an entry in ClinVar:

NM_006648.4(WNK2):c.133A>T (p.Ser45Cys)

Gene: WNK2 (WNK lysine deficient protein kinase 2; plus strand). Cytogenetic location: 9q22.31.
Variant type: single nucleotide variant.
Coding change: c.133A>T on transcript NM_006648.4 (MANE Select); coding-DNA position 133, A replaced by T.
Protein change: p.Ser45Cys; replaces serine 45 with cysteine.
Molecular consequence: missense variant.
Genome position (GRCh38, 1-based): chr9:93,185,062, A>T. VCF-style: chr9-93185062-A-T. GRCh37 (hg19) VCF-style: chr9-95947344-A-T.
Other names: c.133A>T, p.Ser45Cys (NM_001282394.3); short protein forms S45C.
Identifiers: ClinVar variation 3982091 (VCV003982091.1).

ClinVar aggregate classification (germline): Uncertain significance (1 of 4 stars; one submission).

gnomAD v4.1: 5 of 1,304,244 alleles (0.00038%); highest among the groups gnomAD compares: South Asian, 0.01%; no homozygotes.

Submission:

Ambry Genetics
Classification: Uncertain significance. Last evaluated: 2025-05-21. Review status: criteria provided, single submitter. Criteria: Ambry Variant Classification Scheme 2023. Collection method: clinical testing. Allele origin: germline.
Comment: The p.S45C variant (also known as c.133A>T), located in coding exon 1 of the WNK2 gene, results from an A to T substitution at nucleotide position 133. The serine at codon 45 is replaced by cysteine, an amino acid with dissimilar properties. This amino acid position is conserved. In addition, this alteration is predicted to be tolerated by in silico analysis. Based on the available evidence, the clinical significance of this variant remains unclear.